The following is an entry in ClinVar:

ClinVar aggregate classification (germline): Uncertain significance (1 of 4 stars; one submission).

Conditions:
Neurodevelopmental disorder with hypotonia, stereotypic hand movements, and impaired language. Also called: Intellectual disability, autosomal dominant 20. Identifiers: Orphanet 228384, Orphanet 664410, MedGen C3150700, MONDO:0013266, OMIM 613443.

Submission:

Labcorp Genetics (formerly Invitae), Labcorp
Classification: Uncertain significance for Neurodevelopmental disorder with hypotonia, stereotypic hand movements, and impaired language. Last evaluated: 2024-12-24. Review status: criteria provided, single submitter. Criteria: Invitae Variant Classification Sherloc (09022015). Collection method: clinical testing. Allele origin: germline.
Comment: This sequence change replaces glycine, which is neutral and non-polar, with serine, which is neutral and polar, at codon 197 of the MEF2C protein (p.Gly197Ser). This variant also falls at the last nucleotide of exon 5, which is part of the consensus splice site for this exon. This variant is not present in population databases (gnomAD no frequency). This variant has not been reported in the literature in individuals affected with MEF2C-related conditions. Invitae Evidence Modeling of protein sequence and biophysical properties (such as structural, functional, and spatial information, amino acid conservation, physicochemical variation, residue mobility, and thermodynamic stability) indicates that this missense variant is not expected to disrupt MEF2C protein function with a negative predictive value of 95%. Variants that disrupt the consensus splice site are a relatively common cause of aberrant splicing (PMID: 17576681, 9536098). Algorithms developed to predict the effect of sequence changes on RNA splicing suggest that this variant may disrupt the consensus splice site. In summary, the available evidence is currently insufficient to determine the role of this variant in disease. Therefore, it has been classified as a Variant of Uncertain Significance.

Literature cited by the submitters: PubMed 17576681; PubMed 9536098.

NM_002397.5(MEF2C):c.589G>A (p.Gly197Ser)

Gene: MEF2C (myocyte enhancer factor 2C; minus strand). Cytogenetic location: 5q14.3.
Variant type: single nucleotide variant.
Coding change: c.589G>A on transcript NM_002397.5 (MANE Select); coding-DNA position 589, G replaced by A.
Protein change: p.Gly197Ser; replaces glycine 197 with serine.
Molecular consequence: missense variant.
Genome position (GRCh38, 1-based): chr5:88,751,857, C>T on the plus strand (G>A on the coding strand, the complement: MEF2C is on the minus strand). VCF-style: chr5-88751857-C-T. GRCh37 (hg19) VCF-style: chr5-88047674-C-T.
Other names: c.589G>A, p.Gly197Ser (NM_001364346.2, NM_001364347.2, NM_001364348.2 and 18 more transcripts); c.583G>A, p.Gly195Ser (NM_001364352.2, NM_001131005.2, NM_001364343.2); c.211G>A, p.Gly71Ser (NM_001364353.2, NM_001364356.2); c.445G>A, p.Gly149Ser (NM_001364354.2, NM_001364355.2, NM_001193348.1 and 3 more transcripts); c.643G>A, p.Gly215Ser (NM_001193347.1, NM_001364338.2); c.163G>A, p.Gly55Ser (NM_001364357.2); short protein forms G149S, G195S, G55S, G197S, G71S, G215S.
Identifiers: ClinVar variation 3721126 (VCV003721126.2).